The following is an entry in ClinVar:

NM_005045.4(RELN):c.9664A>G (p.Ile3222Val)

Genes: SLC26A5-AS1 (SLC26A5 antisense RNA 1; plus strand), RELN (reelin; minus strand), LOC126860130 (BRD4-independent group 4 enhancer GRCh37_chr7:103130126-103131325; plus strand). Cytogenetic location: 7q22.1.
Variant type: single nucleotide variant.
Coding change: c.9664A>G on transcript NM_005045.4 (MANE Select); coding-DNA position 9664, A replaced by G.
Protein change: p.Ile3222Val; replaces isoleucine 3222 with valine.
Molecular consequence: missense variant.
Genome position (GRCh38, 1-based): chr7:103,489,841, T>C on the plus strand (A>G on the coding strand, the complement: RELN is on the minus strand). VCF-style: chr7-103489841-T-C. GRCh37 (hg19) VCF-style: chr7-103130288-T-C.
Other names: c.9664A>G, p.Ile3222Val (NM_173054.3); short protein forms I3222V.
Identifiers: ClinVar variation 358380 (VCV000358380.15), dbSNP rs142638365, ClinGen allele CA4420151.
Genomic context (GRCh38, chr7:103,489,841, plus strand): 5'-TGCAGTATCCGTGCCCGCTGCAGAGCTTGGGGCAAGCCTCTCCAATGTACACGTGGTCAA[T>C]TGCCCAGCTTTGCTTCTCAGTTTCTTCTCCCTTCTGGATCCAGCGGAACTGTGTTGCACT-3'
Protein context (NP_005036.2, residues 3212-3232): GEETEKQSWA[Ile3222Val]DHVYIGEACP

ClinVar aggregate classification (germline): Uncertain significance. Review status: criteria provided, multiple submitters, no conflicts (2 of 4 stars). 3 submissions from 3 submitters: Uncertain significance (3). Last evaluated 2025-12-19.

Conditions:
Inborn genetic diseases. Identifiers: MedGen C0950123, MeSH D030342.
Norman-Roberts syndrome (LIS2). Also called: Lissencephaly 2 (Norman-Roberts type). Identifiers: Orphanet 89844, MedGen C0796089, MONDO:0009760, OMIM 257320.
Familial temporal lobe epilepsy 7. Identifiers: Orphanet 101046, MedGen C4225327, MONDO:0014639, OMIM 616436.

Allele frequency attached by ClinVar (database versions not stated): gnomAD exomes below 0.00001 and 0.00001; ExAC 0.00001; gnomAD 0.00001; TOPMed 0.00001; ESP Exome Variant Server 0.00008.
gnomAD v4.1: 3 of 1,614,048 alleles (0.00019%); highest among the groups gnomAD compares: Admixed American, 0.0033%; no homozygotes.

Submissions (3):

Labcorp Genetics (formerly Invitae), Labcorp
Classification: Uncertain significance for Familial temporal lobe epilepsy 7; Norman-Roberts syndrome. Last evaluated: 2025-12-19. Review status: criteria provided, single submitter. Criteria: Invitae Variant Classification Sherloc (09022015). Collection method: clinical testing. Allele origin: germline.
Comment: This sequence change replaces isoleucine, which is neutral and non-polar, with valine, which is neutral and non-polar, at codon 3222 of the RELN protein (p.Ile3222Val). This variant is present in population databases (rs142638365, gnomAD 0.006%). This variant has not been reported in the literature in individuals affected with RELN-related conditions. ClinVar contains an entry for this variant (Variation ID: 358380). Invitae Evidence Modeling of protein sequence and biophysical properties (such as structural, functional, and spatial information, amino acid conservation, physicochemical variation, residue mobility, and thermodynamic stability) indicates that this missense variant is not expected to disrupt RELN protein function with a negative predictive value of 80%. In summary, the available evidence is currently insufficient to determine the role of this variant in disease. Therefore, it has been classified as a Variant of Uncertain Significance.

Ambry Genetics
Classification: Uncertain significance for Inborn genetic diseases. Last evaluated: 2024-06-25. Review status: criteria provided, single submitter. Criteria: Ambry Variant Classification Scheme 2023. Collection method: clinical testing. Allele origin: germline.

Illumina Laboratory Services, Illumina
Classification: Uncertain significance for Norman-Roberts syndrome. Last evaluated: 2018-01-13. Review status: criteria provided, single submitter. Criteria: ICSL Variant Classification Criteria 13 December 2019. Collection method: clinical testing. Allele origin: germline.